The following is an entry in ClinVar:

NM_001256715.2(DNAAF3):c.1185T>G (p.Pro395=)

Genes: DNAAF3 (dynein axonemal assembly factor 3; minus strand), DNAAF3-AS1 (DNAAF3 antisense RNA 1; plus strand). Cytogenetic location: 19q13.42.
Variant type: single nucleotide variant.
Coding change: c.1185T>G on transcript NM_001256715.2 (MANE Select); coding-DNA position 1185, T replaced by G.
Protein change: p.Pro395=; no amino-acid change (proline 395 retained).
Molecular consequence: synonymous variant.
Genome position (GRCh38, 1-based): chr19:55,159,586, A>C on the plus strand (T>G on the coding strand, the complement: DNAAF3 is on the minus strand). VCF-style: chr19-55159586-A-C. GRCh37 (hg19) VCF-style: chr19-55670954-A-C.
Other names: c.1023T>G, p.Pro341= (NM_001256716.2); c.1326T>G, p.Pro442= (NM_178837.4); c.1386T>G, p.Pro462= (NM_001256714.1).
Identifiers: ClinVar variation 3771131 (VCV003771131.13).

ClinVar aggregate classification (germline): Likely benign (1 of 4 stars; one submission).

Submission:

CeGaT Center for Human Genetics Tuebingen
Classification: Likely benign. Last evaluated: 2025-01-01. Review status: criteria provided, single submitter. Criteria: CeGaT Center For Human Genetics Tuebingen Variant Classification Criteria Version 2. Collection method: clinical testing. Allele origin: germline. Affected: yes. Observed: 1 variant allele.
Comment: DNAAF3: BP4, BP7